The following is an entry in ClinVar:

NM_001003694.2(BRPF1):c.3175G>A (p.Val1059Met)

Gene: BRPF1 (bromodomain and PHD finger containing 1; plus strand). Cytogenetic location: 3p25.3.
Variant type: single nucleotide variant.
Coding change: c.3175G>A on transcript NM_001003694.2 (MANE Select); coding-DNA position 3175, G replaced by A.
Protein change: p.Val1059Met; replaces valine 1059 with methionine.
Molecular consequence: missense variant. On other transcripts: non-coding transcript variant (1).
Genome position (GRCh38, 1-based): chr3:9,745,679, G>A. VCF-style: chr3-9745679-G-A. GRCh37 (hg19) VCF-style: chr3-9787363-G-A.
Other names: c.2872G>A, p.Val958Met (NM_001319049.2); c.3154G>A, p.Val1052Met (NM_001319050.2); c.3172G>A, p.Val1058Met (NM_001410704.1); c.3157G>A, p.Val1053Met (NM_004634.3); short protein forms V1052M, V1058M, V1059M, V958M, V1053M.
Identifiers: ClinVar variation 2460470 (VCV002460470.4), dbSNP rs757177099, ClinGen allele CA2242319.

ClinVar aggregate classification (germline): Likely benign. Review status: criteria provided, multiple submitters, no conflicts (2 of 4 stars). 2 submissions from 2 submitters: Likely benign (2). Last evaluated 2026-02-05.

Conditions:
BRPF1-related disorder. Also called: BRPF1-related condition.
Inborn genetic diseases. Identifiers: MedGen C0950123, MeSH D030342.

Allele frequency attached by ClinVar (database versions not stated): gnomAD 0.00009.

Submissions (2):

PreventionGenetics, part of Exact Sciences
Classification: Likely benign for BRPF1-related condition. Last evaluated: 2026-02-05. Review status: criteria provided, single submitter. Criteria: ACMG Guidelines, 2015. Collection method: clinical testing. Allele origin: germline.
Comment: This variant is classified as likely benign based on ACMG/AMP sequence variant interpretation guidelines (Richards et al. 2015 PMID: 25741868, with internal and published modifications).

Ambry Genetics
Classification: Likely benign for Inborn genetic diseases. Last evaluated: 2024-12-26. Review status: criteria provided, single submitter. Criteria: Ambry Variant Classification Scheme 2023. Collection method: clinical testing. Allele origin: germline.